The following is an entry in ClinVar:

ClinVar aggregate classification (germline): Uncertain significance (1 of 4 stars; one submission).

Allele frequency attached by ClinVar (database versions not stated): ExAC 0.00001; TOPMed 0.00003.
gnomAD v4.1: 28 of 1,613,846 alleles (0.0017%); highest among the groups gnomAD compares: East Asian, 0.013%; no homozygotes.

Submission:

Labcorp Genetics (formerly Invitae), Labcorp
Classification: Uncertain significance. Last evaluated: 2025-03-03. Review status: criteria provided, single submitter. Criteria: Invitae Variant Classification Sherloc (09022015). Collection method: clinical testing. Allele origin: germline.
Comment: This sequence change replaces alanine, which is neutral and non-polar, with threonine, which is neutral and polar, at codon 359 of the CTBP1 protein (p.Ala359Thr). This variant is present in population databases (rs757726580, gnomAD 0.02%). This variant has not been reported in the literature in individuals affected with CTBP1-related conditions. ClinVar contains an entry for this variant (Variation ID: 2182260). An algorithm developed to predict the effect of missense changes on protein structure and function (PolyPhen-2) suggests that this variant is likely to be tolerated. In summary, the available evidence is currently insufficient to determine the role of this variant in disease. Therefore, it has been classified as a Variant of Uncertain Significance.

NM_001012614.2(CTBP1):c.1042G>A (p.Ala348Thr)

Genes: CTBP1 (C-terminal binding protein 1; minus strand), CTBP1-AS (CTBP1 antisense RNA; plus strand). Cytogenetic location: 4p16.3.
Variant type: single nucleotide variant.
Coding change: c.1042G>A on transcript NM_001012614.2 (MANE Select); coding-DNA position 1042, G replaced by A.
Protein change: p.Ala348Thr; replaces alanine 348 with threonine.
Molecular consequence: missense variant.
Genome position (GRCh38, 1-based): chr4:1,212,977, C>T on the plus strand (G>A on the coding strand, the complement: CTBP1 is on the minus strand). VCF-style: chr4-1212977-C-T. GRCh37 (hg19) VCF-style: chr4-1206765-C-T.
Other names: c.1075G>A, p.Ala359Thr (NM_001328.3, NM_001377186.1); c.1042G>A, p.Ala348Thr (NM_001377187.1, NM_001377188.1, NM_001377189.1 and 4 more transcripts); short protein forms A348T, A359T.
Identifiers: ClinVar variation 2182260 (VCV002182260.4), dbSNP rs757726580, ClinGen allele CA2804200.
Genomic context (GRCh38, chr4:1,212,977, plus strand): 5'-AGGCAGCCCCATTGAGCTCAGGGTGCACGACGGCGGGGTCCATGCTGGCCCAGTGGGTGG[C>T]GGCTGTCAGATGGTCCTTGTTGACACAGTTCTTCAGGCTGTCTGGGATCCGGCCTGGGAG-3'
Protein context (NP_001012632.1, residues 338-358): NCVNKDHLTA[Ala348Thr]THWASMDPAV